The following is an entry in ClinVar:

NM_004360.5(CDH1):c.1978G>A (p.Val660Met)

Gene: CDH1 (cadherin 1; plus strand). Cytogenetic location: 16q22.1.
Variant type: single nucleotide variant.
Coding change: c.1978G>A on transcript NM_004360.5 (MANE Select); coding-DNA position 1978, G replaced by A.
Protein change: p.Val660Met; replaces valine 660 with methionine.
Molecular consequence: missense variant.
Genome position (GRCh38, 1-based): chr16:68,823,440, G>A. VCF-style: chr16-68823440-G-A. GRCh37 (hg19) VCF-style: chr16-68857343-G-A.
Other names: c.1978G>A (LRG_301t1); c.1795G>A, p.Val599Met (NM_001317184.2); c.430G>A, p.Val144Met (NM_001317185.2); c.13G>A, p.Val5Met (NM_001317186.2); short protein forms V660M, V5M, V144M, V599M.
Identifiers: ClinVar variation 463739 (VCV000463739.15), dbSNP rs769844369, ClinGen allele CA8130183.
Genomic context (GRCh38, chr16:68,823,440, plus strand): 5'-TTTTTATTGCTTTCTCCAGCCCAAGAATCTATCATTTTGAAGCCAAAGATGGCCTTAGAG[G>A]TGGGTGACTACAAAATCAATCTCAAGCTCATGGATAACCAGAATAAAGACCAAGTGACCA-3'
Protein context (NP_004351.1, residues 650-670): IILKPKMALE[Val660Met]GDYKINLKLM

ClinVar aggregate classification (germline): Conflicting classifications of pathogenicity. Review status: criteria provided, conflicting classifications (1 of 4 stars). 3 submissions from 3 submitters: Uncertain significance (2); Likely benign (1). Last evaluated 2025-11-17.

Conditions:
Hereditary cancer-predisposing syndrome. Also called: Hereditary neoplastic syndrome; Neoplastic Syndromes, Hereditary; Tumor predisposition; Hereditary Cancer Syndrome. Identifiers: Orphanet 140162, MedGen C0027672, MeSH D009386, MONDO:0015356.
Hereditary diffuse gastric adenocarcinoma (HDGC). Also called: DIFFUSE GASTRIC AND LOBULAR BREAST CANCER SYNDROME. Identifiers: Orphanet 26106, MedGen C1708349, MONDO:0007648, OMIM 137215.

Allele frequency attached by ClinVar (database versions not stated): gnomAD exomes below 0.00001; ExAC 0.00001.
gnomAD v4.1: 1 of 1,613,972 alleles (0.000062%); highest among the groups gnomAD compares: Non-Finnish European, 0.000085%; no homozygotes.

Submissions (3):

Labcorp Genetics (formerly Invitae), Labcorp
Classification: Uncertain significance for Hereditary diffuse gastric adenocarcinoma. Last evaluated: 2025-11-17. Review status: criteria provided, single submitter. Criteria: Invitae Variant Classification Sherloc (09022015). Collection method: clinical testing. Allele origin: germline.
Comment: This sequence change replaces valine, which is neutral and non-polar, with methionine, which is neutral and non-polar, at codon 660 of the CDH1 protein (p.Val660Met). This variant is present in population databases (rs769844369, gnomAD 0.006%). This variant has not been reported in the literature in individuals affected with CDH1-related conditions. ClinVar contains an entry for this variant (Variation ID: 463739). An algorithm developed to predict the effect of missense changes on protein structure and function (PolyPhen-2) suggests that this variant is likely to be tolerated. In summary, the available evidence is currently insufficient to determine the role of this variant in disease. Therefore, it has been classified as a Variant of Uncertain Significance.

Molecular Pathology, Peter Maccallum Cancer Centre
Classification: Uncertain significance for Hereditary diffuse gastric adenocarcinoma. Last evaluated: 2024-09-17. Review status: criteria provided, single submitter. Criteria: ACMG Guidelines, 2015. Collection method: clinical testing. Allele origin: germline. Inheritance: Autosomal dominant inheritance.

Ambry Genetics
Classification: Likely benign for Hereditary cancer-predisposing syndrome. Last evaluated: 2022-09-17. Review status: criteria provided, single submitter. Criteria: Ambry Variant Classification Scheme 2023. Collection method: clinical testing. Allele origin: germline.

Literature cited by the submitters: PubMed 30287823 (cited by Ambry Genetics).